The following is an entry in ClinVar:

NM_000051.4(ATM):c.3338T>A (p.Leu1113Ter)

Gene: ATM (ATM serine/threonine kinase; plus strand). Cytogenetic location: 11q22.3.
Variant type: single nucleotide variant.
Coding change: c.3338T>A on transcript NM_000051.4 (MANE Select); coding-DNA position 3338, T replaced by A.
Protein change: p.Leu1113Ter; replaces leucine 1113 with a stop codon.
Molecular consequence: nonsense.
Genome position (GRCh38, 1-based): chr11:108,279,544, T>A. VCF-style: chr11-108279544-T-A. GRCh37 (hg19) VCF-style: chr11-108150271-T-A.
Other names: c.3338T>A, p.Leu1113Ter (NM_001351834.2); short protein forms L1113*.
Identifiers: ClinVar variation 942126 (VCV000942126.8), dbSNP rs1591632166, ClinGen allele CA382517581.

ClinVar aggregate classification (germline): Pathogenic. Review status: criteria provided, multiple submitters, no conflicts (2 of 4 stars). 2 submissions from 2 submitters: Pathogenic (2). Last evaluated 2026-04-02.

Conditions:
Ataxia-telangiectasia syndrome (AT). Also called: Ataxia-telangiectasia, complementation group E; Cerebello-oculocutaneous telangiectasia; Immunodeficiency with ataxia telangiectasia; Ataxia-telangiectasia, complementation group D; AT, COMPLEMENTATION GROUP C; ATAXIA-TELANGIECTASIA, COMPLEMENTATION GROUP A. Identifiers: Orphanet 100, MedGen C0004135, MONDO:0008840, OMIM 208900.
ATM-related cancer predisposition. Also called: ATM-related cancer susceptibility. Identifiers: MedGen CN377759, MONDO:0700270.

Submissions (2):

Dasa
Classification: Pathogenic for ATM-related cancer predisposition. Last evaluated: 2026-04-02. Review status: criteria provided, single submitter. Criteria: DASA Assertion Criteria. Collection method: clinical testing. Allele origin: germline.
Comment: NM_000051.4(ATM):c.3338T>A (p.Leu1113*) introduces a premature termination codon predicted to result in loss of normal protein function. Loss-of-function is an established mechanism of disease for this gene. The variant is present at low frequency in population datasets. Based on the available data, this variant is classified as pathogenic.

Labcorp Genetics (formerly Invitae), Labcorp
Classification: Pathogenic for Ataxia-telangiectasia syndrome. Last evaluated: 2019-10-04. Review status: criteria provided, single submitter. Criteria: Invitae Variant Classification Sherloc (09022015). Collection method: clinical testing. Allele origin: germline.
Comment: Loss-of-function variants in ATM are known to be pathogenic (PMID: 23807571, 25614872). This variant has not been reported in the literature in individuals with ATM-related conditions. This variant is not present in population databases (ExAC no frequency). This sequence change creates a premature translational stop signal (p.Leu1113*) in the ATM gene. It is expected to result in an absent or disrupted protein product. For these reasons, this variant has been classified as Pathogenic.

Literature cited by the submitters: PubMed 23807571 (cited by Labcorp Genetics (formerly Invitae), Labcorp); PubMed 25614872 (cited by Labcorp Genetics (formerly Invitae), Labcorp).